The following is an entry in ClinVar:

NM_001195518.2(MICU1):c.1391C>T (p.Ala464Val)

Gene: MICU1 (mitochondrial calcium uptake 1; minus strand). Cytogenetic location: 10q22.1.
Variant type: single nucleotide variant.
Coding change: c.1391C>T on transcript NM_001195518.2 (MANE Select); coding-DNA position 1391, C replaced by T.
Protein change: p.Ala464Val; replaces alanine 464 with valine.
Molecular consequence: missense variant.
Genome position (GRCh38, 1-based): chr10:72,368,235, G>A on the plus strand (C>T on the coding strand, the complement: MICU1 is on the minus strand). VCF-style: chr10-72368235-G-A. GRCh37 (hg19) VCF-style: chr10-74127993-G-A.
Other names: p.Ala466Val; c.797C>T, p.Ala266Val (NM_001195519.2); c.1409C>T, p.Ala470Val (NM_001363513.2); c.1397C>T, p.Ala466Val (NM_006077.4); short protein forms A266V, A464V, A466V, A470V.
Identifiers: ClinVar variation 3379973 (VCV003379973.1).

ClinVar aggregate classification (germline): Uncertain significance (1 of 4 stars; one submission).

Submission:

Mayo Clinic Laboratories, Mayo Clinic
Classification: Uncertain significance. Last evaluated: 2024-01-30. Review status: criteria provided, single submitter. Criteria: ACMG Guidelines, 2015. Collection method: clinical testing. Allele origin: germline. Observed: 1 variant allele.
Comment: PM2